The following is an entry in ClinVar:

NM_014915.3(ANKRD26):c.3154G>T (p.Val1052Leu)

Gene: ANKRD26 (ankyrin repeat domain 26; minus strand). Cytogenetic location: 10p12.1.
Variant type: single nucleotide variant.
Coding change: c.3154G>T on transcript NM_014915.3 (MANE Select); coding-DNA position 3154, G replaced by T.
Protein change: p.Val1052Leu; replaces valine 1052 with leucine.
Molecular consequence: missense variant.
Genome position (GRCh38, 1-based): chr10:27,035,296, C>A on the plus strand (G>T on the coding strand, the complement: ANKRD26 is on the minus strand). VCF-style: chr10-27035296-C-A. GRCh37 (hg19) VCF-style: chr10-27324225-C-A.
Other names: c.3151G>T, p.Val1051Leu (NM_001256053.2); short protein forms V1051L, V1052L.
Identifiers: ClinVar variation 5022967 (VCV005022967.1).

ClinVar aggregate classification (germline): Uncertain significance (1 of 4 stars; one submission).

Conditions:
Inborn genetic diseases. Identifiers: MedGen C0950123, MeSH D030342.

Submission:

Ambry Genetics
Classification: Uncertain significance for Inborn genetic diseases. Last evaluated: 2026-07-05. Review status: criteria provided, single submitter. Criteria: Ambry Variant Classification Scheme 2023. Collection method: clinical testing. Allele origin: germline.
Comment: The p.V1052L variant (also known as c.3154G>T), located in coding exon 24 of the ANKRD26 gene, results from a G to T substitution at nucleotide position 3154. The valine at codon 1052 is replaced by leucine, an amino acid with highly similar properties. This amino acid position is conserved. In addition, this alteration is predicted to be tolerated by in silico analysis. Based on the available evidence, the clinical significance of this variant remains unclear.